The following is an entry in ClinVar:

NM_006231.4(POLE):c.3745G>A (p.Val1249Met)

Gene: POLE (DNA polymerase epsilon, catalytic subunit; minus strand). Cytogenetic location: 12q24.33.
Variant type: single nucleotide variant.
Coding change: c.3745G>A on transcript NM_006231.4 (MANE Select); coding-DNA position 3745, G replaced by A.
Protein change: p.Val1249Met; replaces valine 1249 with methionine.
Molecular consequence: missense variant.
Genome position (GRCh38, 1-based): chr12:132,649,727, C>T on the plus strand (G>A on the coding strand, the complement: POLE is on the minus strand). VCF-style: chr12-132649727-C-T. GRCh37 (hg19) VCF-style: chr12-133226313-C-T.
Other names: short protein forms V1249M.
Identifiers: ClinVar variation 405830 (VCV000405830.24), dbSNP rs762626359, ClinGen allele CA6893122.

ClinVar aggregate classification (germline): Conflicting classifications of pathogenicity. Review status: criteria provided, conflicting classifications (1 of 4 stars). 7 submissions from 7 submitters: Uncertain significance (5); Likely benign (2). Last evaluated 2025-11-24.

Conditions:
Facial dysmorphism-immunodeficiency-livedo-short stature syndrome. Also called: Facial dysmorphism, immunodeficiency, livedo, and short stature; FILS syndrome. Identifiers: Orphanet 352712, MedGen C3554576, MONDO:0014058, OMIM 615139.
Colorectal cancer, susceptibility to, 12 (CRCS12). Also called: COLORECTAL CANCER, SUSCEPTIBILITY TO, ON CHROMOSOME 12q24. Identifiers: Orphanet 220460, MedGen C3554460, MONDO:0014038, OMIM 615083.
Intrauterine growth retardation, metaphyseal dysplasia, adrenal hypoplasia congenita, genital anomalies, and immunodeficiency. Also called: IMAGEI SYNDROME. Identifiers: MedGen C5193036, MONDO:0032684, OMIM 618336.
Familial colorectal cancer. Identifiers: MedGen CN280943, MONDO:0023113. Disease mechanism: loss of function.
Hereditary cancer-predisposing syndrome. Also called: Hereditary neoplastic syndrome; Neoplastic Syndromes, Hereditary; Hereditary Cancer Syndrome; Tumor predisposition. Identifiers: Orphanet 140162, MedGen C0027672, MeSH D009386, MONDO:0015356.

Allele frequency attached by ClinVar (database versions not stated): gnomAD exomes 0.00001 and 0.00002; TOPMed 0.00002; ExAC 0.00004.
gnomAD v4.1: 19 of 1,614,204 alleles (0.0012%); highest among the groups gnomAD compares: Middle Eastern, 0.12%; no homozygotes.

Submissions (7):

Labcorp Genetics (formerly Invitae), Labcorp
Classification: Uncertain significance. Last evaluated: 2025-11-24. Review status: criteria provided, single submitter. Criteria: Invitae Variant Classification Sherloc (09022015). Collection method: clinical testing. Allele origin: germline.
Comment: This sequence change replaces valine, which is neutral and non-polar, with methionine, which is neutral and non-polar, at codon 1249 of the POLE protein (p.Val1249Met). This variant is present in population databases (rs762626359, gnomAD 0.004%). This variant has not been reported in the literature in individuals affected with POLE-related conditions. ClinVar contains an entry for this variant (Variation ID: 405830). Invitae Evidence Modeling of protein sequence and biophysical properties (such as structural, functional, and spatial information, amino acid conservation, physicochemical variation, residue mobility, and thermodynamic stability) indicates that this missense variant is not expected to disrupt POLE protein function with a negative predictive value of 80%. In summary, the available evidence is currently insufficient to determine the role of this variant in disease. Therefore, it has been classified as a Variant of Uncertain Significance.

Dasa
Classification: Likely benign. Last evaluated: 2025-09-27. Review status: criteria provided, single submitter. Criteria: DASA Assertion Criteria. Collection method: clinical testing. Allele origin: germline.
Comment: NM_006231.4(POLE):c.3745G>A (p.Val1249Met) is a missense variant that results in the substitution of valine with methionine. Multiple computational predictions suggest no deleterious effect on the gene or gene product. The variant is present at low frequency in population datasets. Based on the available data, this variant is classified as likely benign.

GeneDx
Classification: Uncertain significance. Last evaluated: 2025-06-24. Review status: criteria provided, single submitter. Criteria: GeneDx Variant Classification Process June 2021. Collection method: clinical testing. Allele origin: germline. Affected: yes.
Comment: Not observed at significant frequency in large population cohorts (gnomAD); In silico analysis suggests that this missense variant does not alter protein structure/function; Identified in the heterozygous state in a patient with ovarian and thyroid cancer in the published literature, however, segregation and detailed clinical information were not included (PMID: 34326862); This variant is associated with the following publications: (PMID: 34326862)

Ambry Genetics
Classification: Likely benign for Hereditary cancer-predisposing syndrome. Last evaluated: 2024-10-17. Review status: criteria provided, single submitter. Criteria: Ambry Variant Classification Scheme 2023. Collection method: clinical testing. Allele origin: germline.

Fulgent Genetics
Classification: Uncertain significance for Colorectal cancer, susceptibility to, 12; Facial dysmorphism-immunodeficiency-livedo-short stature syndrome; Intrauterine growth retardation, metaphyseal dysplasia, adrenal hypoplasia congenita, genital anomalies, and immunodeficiency. Last evaluated: 2024-01-18. Review status: criteria provided, single submitter. Criteria: ACMG Guidelines, 2015. Collection method: clinical testing. Allele origin: germline.

Blueprint Genetics
Classification: Uncertain significance. Last evaluated: 2023-05-10. Review status: criteria provided, single submitter. Criteria: ACMG Guidelines, 2015. Collection method: clinical testing. Allele origin: germline.

Quest Diagnostics Nichols Institute San Juan Capistrano
Classification: Uncertain significance. Last evaluated: 2018-07-05. Review status: criteria provided, single submitter. Criteria: Quest Diagnostics criteria. Collection method: clinical testing. Allele origin: germline.